The following is an entry in ClinVar:

ClinVar aggregate classification (germline): Uncertain significance (1 of 4 stars; one submission).

Allele frequency attached by ClinVar (database versions not stated): gnomAD exomes 0.00001; ExAC 0.00002; TOPMed 0.00008; gnomAD 0.00009.
gnomAD v4.1: 21 of 1,609,490 alleles (0.0013%); highest among the groups gnomAD compares: Admixed American, 0.033%; no homozygotes.

Submission:

Labcorp Genetics (formerly Invitae), Labcorp
Classification: Uncertain significance. Last evaluated: 2023-03-01. Review status: criteria provided, single submitter. Criteria: Invitae Variant Classification Sherloc (09022015). Collection method: clinical testing. Allele origin: germline.
Comment: This sequence change replaces isoleucine, which is neutral and non-polar, with methionine, which is neutral and non-polar, at codon 317 of the SLC12A2 protein (p.Ile317Met). This variant is present in population databases (rs781450575, gnomAD 0.02%). This variant has not been reported in the literature in individuals affected with SLC12A2-related conditions. An algorithm developed to predict the effect of missense changes on protein structure and function (PolyPhen-2) suggests that this variant is likely to be disruptive. In summary, the available evidence is currently insufficient to determine the role of this variant in disease. Therefore, it has been classified as a Variant of Uncertain Significance.

NM_001046.3(SLC12A2):c.951A>G (p.Ile317Met)

Gene: SLC12A2 (solute carrier family 12 member 2; plus strand). Cytogenetic location: 5q23.3.
Variant type: single nucleotide variant.
Coding change: c.951A>G on transcript NM_001046.3 (MANE Select); coding-DNA position 951, A replaced by G.
Protein change: p.Ile317Met; replaces isoleucine 317 with methionine.
Molecular consequence: missense variant. On other transcripts: non-coding transcript variant (1).
Genome position (GRCh38, 1-based): chr5:128,114,286, A>G. VCF-style: chr5-128114286-A-G. GRCh37 (hg19) VCF-style: chr5-127449978-A-G.
Other names: c.951A>G, p.Ile317Met (NM_001256461.2); short protein forms I317M.
Identifiers: ClinVar variation 2977414 (VCV002977414.3), dbSNP rs781450575, ClinGen allele CA3392940.